The following is an entry in ClinVar:

ClinVar aggregate classification (germline): Conflicting classifications of pathogenicity. Review status: criteria provided, conflicting classifications (1 of 4 stars). 8 submissions from 8 submitters: Pathogenic (2); Likely pathogenic (3); Uncertain significance (1). 2 of the submissions do not count toward it. Last evaluated 2026-01-28.

Conditions:
ARSA-related disorder. Also called: ARSA-related condition.
Metachromatic leukodystrophy, adult type. Also called: Metachromatic leukodystrophy, adult form. Identifiers: Orphanet 309271, MedGen C0751279, MONDO:0017730.
Metachromatic leukodystrophy (MLD). Also called: ARSA DEFICIENCY; CEREBROSIDE SULFATASE DEFICIENCY; Arylsulfatase A Deficiency; SULFATIDE LIPIDOSIS; Cerebral sclerosis diffuse metachromatic form; METACHROMATIC LEUKOENCEPHALOPATHY. Identifiers: Orphanet 512, MedGen C0023522, MONDO:0018868, OMIM 250100.

Allele frequency attached by ClinVar (database versions not stated): gnomAD below 0.00001 and 0.00001; TOPMed below 0.00001; gnomAD exomes 0.00004 and 0.00008; ExAC 0.00009.
gnomAD v4.1: 56 of 1,612,682 alleles (0.0035%); highest among the groups gnomAD compares: South Asian, 0.062%; 1 homozygote.

Submissions (8):

Myriad Genetics, Inc.
Classification: Uncertain significance for Metachromatic leukodystrophy. Last evaluated: 2026-01-28. Review status: criteria provided, single submitter. Criteria: Myriad Autosomal Dominant, Autosomal Recessive and X-Linked Classification Criteria (2023). Collection method: clinical testing. Allele origin: unknown.
Comment: NM_000487.5(ARSA):c.862A>C(T288P) is a missense variant classified as a variant of uncertain significance in the context of metachromatic leukodystrophy. T288P has been observed in cases with relevant disease (PMID: 12035837, 11061266). Relevant functional assessments of this variant are available in the literature (PMID: 12035837, 37480112). T288P has been observed in referenced population frequency databases. In summary, there is insufficient evidence to classify NM_000487.5(ARSA):c.862A>C(T288P) as pathogenic or benign. Please note: this variant was assessed in the context of healthy population screening.

Labcorp Genetics (formerly Invitae), Labcorp
Classification: Pathogenic for Metachromatic leukodystrophy. Last evaluated: 2025-12-30. Review status: criteria provided, single submitter. Criteria: Invitae Variant Classification Sherloc (09022015). Collection method: clinical testing. Allele origin: germline.
Comment: This sequence change replaces threonine, which is neutral and polar, with proline, which is neutral and non-polar, at codon 288 of the ARSA protein (p.Thr288Pro). This variant is present in population databases (rs28940894, gnomAD 0.06%). This missense change has been observed in individual(s) with metachromatic leukodystrophy (PMID: 11061266, 12035837). This variant is also known as Thr286Pro. ClinVar contains an entry for this variant (Variation ID: 3090). Invitae Evidence Modeling of protein sequence and biophysical properties (such as structural, functional, and spatial information, amino acid conservation, physicochemical variation, residue mobility, and thermodynamic stability) indicates that this missense variant is expected to disrupt ARSA protein function with a positive predictive value of 95%. Experimental studies have shown that this missense change affects ARSA function (PMID: 12035837). For these reasons, this variant has been classified as Pathogenic.

Natera, Inc.
Classification: Likely pathogenic for Metachromatic leukodystrophy. Last evaluated: 2025-11-17. Review status: criteria provided, single submitter. Criteria: Natera Variant Classification Schema (03/2026). Collection method: clinical testing. Allele origin: germline.
Comment: The c.862A>C variant in ARSA is a missense variant predicted to cause substitution of threonine to proline at amino acid 288. This variant is rare in the general population with a frequency below the threshold expected for the associated phenotype(s). This variant has been observed in one or more individuals affected with the associated recessive disease, as either homozygous or compound heterozygous with a second variant (PMID: 11061266, 12035837). Functional studies show that this variant may disrupt protein function (PMID: 12035837). Computational prediction algorithms indicate this variant is likely to affect gene or protein function. Given the available evidence, this variant is classified as Likely Pathogenic.

Revvity Omics, Revvity
Classification: Likely pathogenic for Metachromatic leukodystrophy. Last evaluated: 2025-01-24. Review status: criteria provided, single submitter. Criteria: ACMG Guidelines, 2015. Collection method: clinical testing. Allele origin: germline.

Fulgent Genetics
Classification: Likely pathogenic for Metachromatic leukodystrophy. Last evaluated: 2024-05-24. Review status: criteria provided, single submitter. Criteria: ACMG Guidelines, 2015. Collection method: clinical testing. Allele origin: germline.

Neuberg Centre For Genomic Medicine, NCGM
Classification: Pathogenic for Metachromatic leukodystrophy. Review status: criteria provided, single submitter. Criteria: ACMG Guidelines, 2015. Collection method: clinical testing. Allele origin: germline. Inheritance: Autosomal recessive inheritance. Affected: yes.

PreventionGenetics, part of Exact Sciences
Classification: Likely pathogenic for ARSA-related condition. Last evaluated: 2024-05-02. Review status: no assertion criteria provided. Collection method: clinical testing. Allele origin: germline. Not counted in ClinVar's aggregate classification.
Comment: The ARSA c.862A>C variant is predicted to result in the amino acid substitution p.Thr288Pro. This variant was reported in the homozygous state in two individuals with acute left hand weakness, demyelinating polyneuropathy and arylsulfatase deficiency (described as p.Thr286Pro, Felice et al. 2000. PubMed ID: 11061266, Coulter-Mackie et al. 2002. PubMed ID: 12035837). This variant is reported in 0.066% of alleles in individuals of South Asian descent in gnomAD. This variant is interpreted as likely pathogenic.

OMIM
Classification: Pathogenic for METACHROMATIC LEUKODYSTROPHY, ADULT. Last evaluated: 2000-10-10. Review status: no assertion criteria provided. Collection method: literature only. Allele origin: germline. Not counted in ClinVar's aggregate classification.

Literature cited by the submitters: PubMed 11061266 (cited by 4 submitters); PubMed 12035837 (cited by 3 submitters); PubMed 37480112 (cited by Myriad Genetics, Inc.).

NM_000487.6(ARSA):c.862A>C (p.Thr288Pro)

Gene: ARSA (arylsulfatase A; minus strand). Cytogenetic location: 22q13.33.
Variant type: single nucleotide variant.
Coding change: c.862A>C on transcript NM_000487.6 (MANE Select); coding-DNA position 862, A replaced by C.
Protein change: p.Thr288Pro; replaces threonine 288 with proline.
Molecular consequence: missense variant.
Genome position (GRCh38, 1-based): chr22:50,626,271, T>G on the plus strand (A>C on the coding strand, the complement: ARSA is on the minus strand). VCF-style: chr22-50626271-T-G. GRCh37 (hg19) VCF-style: chr22-51064699-T-G.
Other names: T286P; c.862A>C, p.Thr288Pro (NM_001085425.3, NM_001085426.3, NM_001085427.3); c.604A>C, p.Thr202Pro (NM_001085428.3, NM_001362782.2); short protein forms T288P, T202P.
Identifiers: ClinVar variation 3090 (VCV000003090.21), dbSNP rs28940894, ClinGen allele CA116005.
Genomic context (GRCh38, chr22:50,626,271, plus strand): 5'-AGGTCGTTCCCTTTCCACACCGCAAGAGACCGGAGCAGCCGCCTCGGGACATACGCATGG[T>G]CTCAGGTCTGGGACACAGGAGGCGCTCATGAGCCATGGAGCCACAGCCTCTGAGCCACCG-3'
Protein context (NP_000478.3, residues 278-298): VIFTADNGPE[Thr288Pro]MRMSRGGCSG